The following is an entry in ClinVar:

NM_052854.4(CREB3L1):c.332-10C>T

Gene: CREB3L1 (cAMP responsive element binding protein 3 like 1; plus strand). Cytogenetic location: 11p11.2.
Variant type: single nucleotide variant.
Coding change: c.332-10C>T on transcript NM_052854.4 (MANE Select); 10 bases into the intron before coding-DNA position 332, C replaced by T.
Molecular consequence: intron variant.
Genome position (GRCh38, 1-based): chr11:46,307,806, C>T. VCF-style: chr11-46307806-C-T. GRCh37 (hg19) VCF-style: chr11-46329357-C-T.
Other names: p.?; c.332-10C>T (NM_001425266.1); c.332-16C>T (NM_001425267.1); c.332-3226C>T (NM_001425269.1); c.194-10C>T (NM_001425268.1).
Identifiers: ClinVar variation 4683611 (VCV004683611.1).

ClinVar aggregate classification (germline): Likely benign (1 of 4 stars; one submission).

gnomAD v4.1: 3 of 1,548,516 alleles (0.00019%); highest among the groups gnomAD compares: Admixed American, 0.0059%; no homozygotes.

Submission:

Mayo Clinic Laboratories, Mayo Clinic
Classification: Likely benign. Last evaluated: 2025-03-26. Review status: criteria provided, single submitter. Criteria: ACMG Guidelines, 2015. Collection method: clinical testing. Allele origin: germline. Observed: 1 variant allele.
Comment: BP4, BP7, PM2_supporting